The following is an entry in ClinVar:

NM_001042492.3(NF1):c.2674A>T (p.Ser892Cys)

Gene: NF1 (neurofibromin 1; plus strand). Cytogenetic location: 17q11.2.
Variant type: single nucleotide variant.
Coding change: c.2674A>T on transcript NM_001042492.3 (MANE Select); coding-DNA position 2674, A replaced by T.
Protein change: p.Ser892Cys; replaces serine 892 with cysteine.
Molecular consequence: missense variant.
Genome position (GRCh38, 1-based): chr17:31,229,289, A>T. VCF-style: chr17-31229289-A-T. GRCh37 (hg19) VCF-style: chr17-29556307-A-T.
Other names: c.2674A>T, p.Ser892Cys (NM_000267.4); short protein forms S892C.
Identifiers: ClinVar variation 232347 (VCV000232347.17), dbSNP rs746324091, ClinGen allele CA8486014.

ClinVar aggregate classification (germline): Conflicting classifications of pathogenicity. Review status: criteria provided, conflicting classifications (1 of 4 stars). 8 submissions from 7 submitters: Uncertain significance (7); Likely benign (1). Last evaluated 2024-04-22.

Conditions:
Cardiovascular phenotype. Identifiers: MedGen CN230736.
Hereditary cancer-predisposing syndrome. Also called: Hereditary Cancer Syndrome; Neoplastic Syndromes, Hereditary; Tumor predisposition; Hereditary neoplastic syndrome. Identifiers: Orphanet 140162, MedGen C0027672, MeSH D009386, MONDO:0015356.
Neurofibromatosis, type 1 (NF1). Also called: Neurofibromatosis, type I; VON RECKLINGHAUSEN DISEASE; NEUROFIBROMATOSIS, TYPE I, SOMATIC; Peripheral type neurofibromatosis. Identifiers: Orphanet 636, MedGen C0027831, MONDO:0018975, OMIM 162200. Disease mechanism: loss of function.
NF1-related disorder. Also called: NF1-related condition. Identifiers: MedGen CN379171.
Café-au-lait macules with pulmonary stenosis (WTSN). Also called: PULMONIC STENOSIS WITH CAFE-AU-LAIT SPOTS. Identifiers: MedGen C0553586, MONDO:0008672, OMIM 193520.
Juvenile myelomonocytic leukemia (JMML). Also called: LEUKEMIA, JUVENILE MYELOMONOCYTIC, SOMATIC. Identifiers: Orphanet 86834, MedGen C0349639, MONDO:0011908, OMIM 607785, HP:0012209.
Neurofibromatosis-Noonan syndrome (NFNS). Also called: NEUROFIBROMATOSIS WITH NOONAN PHENOTYPE. Identifiers: Orphanet 638, MedGen C2931482, MONDO:0011035, OMIM 601321. Disease mechanism: loss of function.
Neurofibromatosis, familial spinal (FSNF). Identifiers: Orphanet 636, MedGen C1834235, MONDO:0008078, OMIM 162210. Disease mechanism: loss of function.

Allele frequency attached by ClinVar (database versions not stated): ExAC 0.00001; TOPMed 0.00001.
gnomAD v4.1: 2 of 1,613,928 alleles (0.00012%); highest among the groups gnomAD compares: South Asian, 0.0011%; no homozygotes.

Submissions (8):

Labcorp Genetics (formerly Invitae), Labcorp
Classification: Likely benign for Neurofibromatosis, type 1. Last evaluated: 2024-04-22. Review status: criteria provided, single submitter. Criteria: Invitae Variant Classification Sherloc (09022015). Collection method: clinical testing. Allele origin: germline.

Fulgent Genetics
Classification: Uncertain significance for Neurofibromatosis, type 1; Neurofibromatosis, familial spinal; Café-au-lait macules with pulmonary stenosis; Neurofibromatosis-Noonan syndrome; Juvenile myelomonocytic leukemia. Last evaluated: 2024-03-11. Review status: criteria provided, single submitter. Criteria: ACMG Guidelines, 2015. Collection method: clinical testing. Allele origin: germline.

PreventionGenetics, part of Exact Sciences
Classification: Uncertain significance for NF1-related condition. Last evaluated: 2023-08-05. Review status: criteria provided, single submitter. Criteria: ACMG Guidelines, 2015. Collection method: clinical testing. Allele origin: germline.
Comment: The NF1 c.2674A>T variant is predicted to result in the amino acid substitution p.Ser892Cys. To our knowledge, this variant has not been reported in the literature or in a large population database, indicating this variant is rare. At this time, the clinical significance of this variant is uncertain due to the absence of conclusive functional and genetic evidence.

Baylor Genetics
Classification: Uncertain significance for Juvenile myelomonocytic leukemia. Last evaluated: 2023-05-10. Review status: criteria provided, single submitter. Criteria: ACMG Guidelines, 2015. Collection method: clinical testing. Allele origin: unknown.

GeneDx
Classification: Uncertain significance. Last evaluated: 2022-10-07. Review status: criteria provided, single submitter. Criteria: GeneDx Variant Classification Process June 2021. Collection method: clinical testing. Allele origin: germline. Affected: yes.
Comment: Not observed at significant frequency in large population cohorts (gnomAD); In silico analysis supports that this missense variant has a deleterious effect on protein structure/function; Has not been previously published as pathogenic or benign to our knowledge; This variant is associated with the following publications: (PMID: 25486365, 2121369)

Genome-Nilou Lab
Classification: Uncertain significance for Neurofibromatosis, type 1. Last evaluated: 2022-03-15. Review status: criteria provided, single submitter. Criteria: ACMG Guidelines, 2015. Collection method: clinical testing. Allele origin: germline. Affected: no.

Ambry Genetics
Classification: Uncertain significance for Cardiovascular phenotype; Hereditary cancer-predisposing syndrome. Last evaluated: 2021-05-20. Review status: criteria provided, single submitter. Criteria: Ambry Variant Classification Scheme 2023. Collection method: clinical testing. Allele origin: germline.

Ambry Genetics
Classification: Uncertain significance for Hereditary cancer-predisposing syndrome. Last evaluated: 2015-06-10. Review status: criteria provided, single submitter. Criteria: Ambry Autosomal Dominant and X-Linked criteria (10/2015). Collection method: clinical testing. Allele origin: germline. Observed: 1 variant allele.
Comment: The p.S892C variant (also known as c.2674A>T), located in coding exon 21 of the NF1 gene, results from an A to T substitution at nucleotide position 2674. The serine at codon 892 is replaced by cysteine, an amino acid with dissimilar properties. This variant was not reported in population based cohorts in the following databases: Database of Single Nucleotide Polymorphisms (dbSNP), NHLBI Exome Sequencing Project (ESP), and 1000 Genomes Project. In the ESP, this variant was not observed in 6503 samples (13006 alleles) with coverage at this position. To date, this alteration has been detected with an allele frequency of approximately 0.002% (greater than 55000alleles tested) in our clinical cohort. This amino acid position is well conserved in available vertebrate species. In addition, the in silico prediction for this alteration is inconclusive.Since supporting evidence is limited at this time, the clinical significance of p.S892Cremains unclear.